The following is an entry in ClinVar:

NM_005267.5(GJA8):c.1288G>A (p.Asp430Asn)

Gene: GJA8 (gap junction protein alpha 8; plus strand). Cytogenetic location: 1q21.2.
Variant type: single nucleotide variant.
Coding change: c.1288G>A on transcript NM_005267.5 (MANE Select); coding-DNA position 1288, G replaced by A.
Protein change: p.Asp430Asn; replaces aspartic acid 430 with asparagine.
Molecular consequence: missense variant.
Genome position (GRCh38, 1-based): chr1:147,909,243, G>A. VCF-style: chr1-147909243-G-A. GRCh37 (hg19) VCF-style: chr1-147381370-G-A.
Other names: short protein forms D430N.
Identifiers: ClinVar variation 1411711 (VCV001411711.8), dbSNP rs782429592, ClinGen allele CA1066139.

ClinVar aggregate classification (germline): Uncertain significance (1 of 4 stars; one submission).

Conditions:
Cataract 1 multiple types. Also called: CATARACT, DUFFY-LINKED; CATARACT 1, MULTIPLE TYPES, WITH OR WITHOUT MICROCORNEA; CATARACT 1, NUCLEAR PROGRESSIVE; CATARACT 1 WITH MICROCORNEA; CATARACT 1, POSTERIOR SUBCAPSULAR, WITH MICROCORNEA; CATARACT 1, STELLATE NUCLEAR, WITH MICROCORNEA. Identifiers: Orphanet 1377, MedGen C1861828, MONDO:0007285, OMIM 116200.

Allele frequency attached by ClinVar (database versions not stated): gnomAD 0.00001; gnomAD exomes 0.00003; ExAC 0.00007.

Submission:

Labcorp Genetics (formerly Invitae), Labcorp
Classification: Uncertain significance for Cataract 1 multiple types. Last evaluated: 2024-10-25. Review status: criteria provided, single submitter. Criteria: Invitae Variant Classification Sherloc (09022015). Collection method: clinical testing. Allele origin: germline.
Comment: This sequence change replaces aspartic acid, which is acidic and polar, with asparagine, which is neutral and polar, at codon 430 of the GJA8 protein (p.Asp430Asn). This variant is present in population databases (rs782429592, gnomAD 0.006%). This variant has not been reported in the literature in individuals affected with GJA8-related conditions. ClinVar contains an entry for this variant (Variation ID: 1411711). Invitae Evidence Modeling of protein sequence and biophysical properties (such as structural, functional, and spatial information, amino acid conservation, physicochemical variation, residue mobility, and thermodynamic stability) has been performed for this missense variant. However, the output from this modeling did not meet the statistical confidence thresholds required to predict the impact of this variant on GJA8 protein function. In summary, the available evidence is currently insufficient to determine the role of this variant in disease. Therefore, it has been classified as a Variant of Uncertain Significance.